The following is an entry in ClinVar:

ClinVar aggregate classification (germline): Uncertain significance (1 of 4 stars; one submission).

Conditions:
Familial adenomatous polyposis 1 (FAP1). Also called: FAMILIAL ADENOMATOUS POLYPOSIS 1, ATTENUATED; POLYPOSIS, ADENOMATOUS INTESTINAL. Identifiers: MedGen C2713442, MONDO:0021056, OMIM 175100. Disease mechanism: loss of function.

Allele frequency attached by ClinVar (database versions not stated): gnomAD exomes below 0.00001.
gnomAD v4.1: 1 of 1,361,200 alleles (0.000073%); highest among the groups gnomAD compares: East Asian, 0.0034%; no homozygotes.

Submission:

Labcorp Genetics (formerly Invitae), Labcorp
Classification: Uncertain significance for Familial adenomatous polyposis 1. Last evaluated: 2024-11-27. Review status: criteria provided, single submitter. Criteria: Invitae Variant Classification Sherloc (09022015). Collection method: clinical testing. Allele origin: germline.
Comment: This variant occurs in a non-coding region of the APC gene. It does not change the encoded amino acid sequence of the APC protein. This variant is not present in population databases (gnomAD no frequency). This variant has not been reported in the literature in individuals affected with APC-related conditions. Experimental studies and prediction algorithms are not available or were not evaluated, and the functional significance of this variant is currently unknown. In summary, the available evidence is currently insufficient to determine the role of this variant in disease. Therefore, it has been classified as a Variant of Uncertain Significance.

NM_001127511.3(APC):c.-72C>T

Gene: APC (APC regulator of Wnt signaling pathway; plus strand). Cytogenetic location: 5q22.2.
Variant type: single nucleotide variant.
Coding change: c.-72C>T on transcript NM_001127511.3; 72 bases upstream of the start codon, C replaced by T.
Molecular consequence: 5 prime UTR variant. On other transcripts: non-coding transcript variant (2).
Genome position (GRCh38, 1-based): chr5:112,707,646, C>T. VCF-style: chr5-112707646-C-T. GRCh37 (hg19) VCF-style: chr5-112043343-C-T.
Other names: c.-255C>T (NM_001354895.2, NM_001407447.1, NM_001407452.1 and 3 more transcripts); c.-72C>T (NM_001354897.2, NM_001354902.2, NM_001407446.1); c.-22C>T (NM_001407448.1, NM_001407450.1, NM_001407457.1 and 1 more transcripts); c.-46C>T (NM_001407453.1); c.-1290C>T (NM_001407470.1, NM_001407472.1).
Identifiers: ClinVar variation 2059620 (VCV002059620.3), dbSNP rs2149629990, ClinGen allele CA2578379429.